The following is an entry in ClinVar:

NM_001267550.2(TTN):c.81613T>C (p.Tyr27205His)

Genes: TTN (titin; minus strand), TTN-AS1 (TTN antisense RNA 1; plus strand). Cytogenetic location: 2q31.2.
Variant type: single nucleotide variant.
Coding change: c.81613T>C on transcript NM_001267550.2 (MANE Select); coding-DNA position 81613, T replaced by C.
Protein change: p.Tyr27205His; replaces tyrosine 27205 with histidine.
Molecular consequence: missense variant.
Genome position (GRCh38, 1-based): chr2:178,564,519, A>G on the plus strand (T>C on the coding strand, the complement: TTN is on the minus strand). VCF-style: chr2-178564519-A-G. GRCh37 (hg19) VCF-style: chr2-179429246-A-G.
Other names: c.76690T>C, p.Tyr25564His (NM_001256850.1); c.54418T>C, p.Tyr18140His (NM_003319.4); c.73909T>C, p.Tyr24637His (NM_133378.4); c.54793T>C, p.Tyr18265His (NM_133432.3); c.54994T>C, p.Tyr18332His (NM_133437.4); short protein forms Y18140H, Y18265H, Y18332H, Y24637H, Y25564H, Y27205H.
Identifiers: ClinVar variation 3900504 (VCV003900504.1).

ClinVar aggregate classification (germline): Uncertain significance (1 of 4 stars; one submission).

Submission:

GeneDx
Classification: Uncertain significance. Last evaluated: 2024-11-21. Review status: criteria provided, single submitter. Criteria: GeneDx Variant Classification Process June 2021. Collection method: clinical testing. Allele origin: germline. Affected: yes.
Comment: Not observed at significant frequency in large population cohorts (gnomAD); Missense variant in a gene in which most reported pathogenic variants are truncating/loss of function; Has not been previously published as pathogenic or benign to our knowledge